The following is an entry in ClinVar:

ClinVar aggregate classification (germline): Likely benign (1 of 4 stars; one submission).

gnomAD v4.1: 2 of 1,607,986 alleles (0.00012%); highest among the groups gnomAD compares: Non-Finnish European, 0.00017%; no homozygotes.

Submission:

CeGaT Center for Human Genetics Tuebingen
Classification: Likely benign. Last evaluated: 2024-10-01. Review status: criteria provided, single submitter. Criteria: CeGaT Center For Human Genetics Tuebingen Variant Classification Criteria Version 2. Collection method: clinical testing. Allele origin: germline. Affected: yes. Observed: 1 variant allele.
Comment: GRIN2A: BP4, BP7

NM_001134407.3(GRIN2A):c.39G>T (p.Pro13=)

Gene: GRIN2A (glutamate ionotropic receptor NMDA type subunit 2A; minus strand). Cytogenetic location: 16p13.2.
Variant type: single nucleotide variant.
Coding change: c.39G>T on transcript NM_001134407.3 (MANE Select); coding-DNA position 39, G replaced by T.
Protein change: p.Pro13=; no amino-acid change (proline 13 retained).
Molecular consequence: synonymous variant.
Genome position (GRCh38, 1-based): chr16:10,180,373, C>A on the plus strand (G>T on the coding strand, the complement: GRIN2A is on the minus strand). VCF-style: chr16-10180373-C-A. GRCh37 (hg19) VCF-style: chr16-10274230-C-A.
Other names: c.39G>T, p.Pro13= (NM_000833.5, NM_001134408.2).
Identifiers: ClinVar variation 3388497 (VCV003388497.14).
Genomic context (GRCh38, chr16:10,180,373, plus strand): 5'-CGCGGGGGGACCCTTCTCCGCCGCCGCGCTCGGCGCCGGACCGCGCCAGACCAGAAGGGC[C>A]GGCAGCACCAGCAGGGTCCAATAGCCCACTCTGCCCATAGTCGCCACTGACGGTCCCTGC-3'
Protein context (NP_001127879.1, residues 3-23): RVGYWTLLVL[Pro13=]ALLVWRGPAP